The following is an entry in ClinVar:

ClinVar aggregate classification (germline): Uncertain significance. Review status: criteria provided, multiple submitters, no conflicts (2 of 4 stars). 4 submissions from 3 submitters: Uncertain significance (4). Last evaluated 2025-11-01.

Conditions:
Charcot-Marie-Tooth disease type 4J (CMT4J). Also called: CHARCOT-MARIE-TOOTH DISEASE, DEMYELINATING, TYPE 4J; Charcot-Marie-Tooth Neuropathy Type 4J; CHARCOT-MARIE-TOOTH DISEASE, AUTOSOMAL RECESSIVE, TYPE 4J. Identifiers: Orphanet 139515, MedGen C1970011, MONDO:0012640, OMIM 611228.
Amyotrophic lateral sclerosis type 11 (ALS11). Identifiers: Orphanet 803, MedGen C2675491, MONDO:0012945, OMIM 612577.
Charcot-Marie-Tooth disease type 4. Also called: Charcot-Marie-Tooth disease, type IV; Charcot-Marie-Tooth, Type 4. Identifiers: Orphanet 64749, MedGen C4082197, MONDO:0018995.

Allele frequency attached by ClinVar (database versions not stated): TOPMed below 0.00001; gnomAD 0.00001; ExAC 0.00002; gnomAD exomes 0.00002 and 0.00003.
gnomAD v4.1: 52 of 1,613,348 alleles (0.0032%); highest among the groups gnomAD compares: Non-Finnish European, 0.0042%; no homozygotes.

Submissions (4):

CeGaT Center for Human Genetics Tuebingen
Classification: Uncertain significance. Last evaluated: 2025-11-01. Review status: criteria provided, single submitter. Criteria: CeGaT Center For Human Genetics Tuebingen Variant Classification Criteria Version 2. Collection method: clinical testing. Allele origin: germline. Affected: yes. Observed: 1 variant allele.
Comment: FIG4: PM2

Labcorp Genetics (formerly Invitae), Labcorp
Classification: Uncertain significance for Charcot-Marie-Tooth disease type 4. Last evaluated: 2021-10-21. Review status: criteria provided, single submitter. Criteria: Invitae Variant Classification Sherloc (09022015). Collection method: clinical testing. Allele origin: germline.
Comment: This sequence change replaces phenylalanine with tyrosine at codon 598 of the FIG4 protein (p.Phe598Tyr). The phenylalanine residue is highly conserved and there is a small physicochemical difference between phenylalanine and tyrosine. This variant is present in population databases (rs751399063, ExAC 0.003%). This variant has not been reported in the literature in individuals with FIG4-related conditions. ClinVar contains an entry for this variant (Variation ID: 355041). Algorithms developed to predict the effect of missense changes on protein structure and function (SIFT, PolyPhen-2, Align-GVGD) all suggest that this variant is likely to be tolerated, but these predictions have not been confirmed by published functional studies and their clinical significance is uncertain. In summary, the available evidence is currently insufficient to determine the role of this variant in disease. Therefore, it has been classified as a Variant of Uncertain Significance.

Illumina Laboratory Services, Illumina
Classification: Uncertain significance for Charcot-Marie-Tooth disease type 4J. Last evaluated: 2018-01-13. Review status: criteria provided, single submitter. Criteria: ICSL Variant Classification Criteria 13 December 2019. Collection method: clinical testing. Allele origin: germline.

Illumina Laboratory Services, Illumina
Classification: Uncertain significance for Amyotrophic lateral sclerosis type 11. Last evaluated: 2018-01-13. Review status: criteria provided, single submitter. Criteria: ICSL Variant Classification Criteria 13 December 2019. Collection method: clinical testing. Allele origin: germline.

NM_014845.6(FIG4):c.1793T>A (p.Phe598Tyr)

Gene: FIG4 (FIG4 phosphoinositide 5-phosphatase; plus strand). Cytogenetic location: 6q21.
Variant type: single nucleotide variant.
Coding change: c.1793T>A on transcript NM_014845.6 (MANE Select); coding-DNA position 1793, T replaced by A.
Protein change: p.Phe598Tyr; replaces phenylalanine 598 with tyrosine.
Molecular consequence: missense variant.
Genome position (GRCh38, 1-based): chr6:109,776,964, T>A. VCF-style: chr6-109776964-T-A. GRCh37 (hg19) VCF-style: chr6-110098167-T-A.
Other names: short protein forms F598Y.
Identifiers: ClinVar variation 355041 (VCV000355041.13), dbSNP rs751399063, ClinGen allele CA3956181.